The following is an entry in ClinVar:

ClinVar aggregate classification (germline): Pathogenic. Review status: criteria provided, multiple submitters, no conflicts (2 of 4 stars). 6 submissions from 6 submitters: Pathogenic (5). 1 of the submissions does not count toward it. Last evaluated 2026-02-05.

Conditions:
Primary ciliary dyskinesia 3. Identifiers: Orphanet 244, MedGen C1837618, MONDO:0012085, OMIM 608644.
Primary ciliary dyskinesia. Also called: Ciliary dyskinesia. Identifiers: Orphanet 244, MedGen C0008780, MONDO:0016575, HP:0012265.

Allele frequency attached by ClinVar (database versions not stated): gnomAD 0.00001; ExAC 0.00002; gnomAD exomes 0.00002; 1000 Genomes Project 30x 0.00016; 1000 Genomes Project 0.00020.
gnomAD v4.1: 20 of 1,613,980 alleles (0.0012%); highest among the groups gnomAD compares: East Asian, 0.0067%; no homozygotes.

Submissions (6):

Clinical Genetics and Genomics, Karolinska University Hospital
Classification: Pathogenic for Primary ciliary dyskinesia 3. Last evaluated: 2026-02-05. Review status: criteria provided, single submitter. Criteria: ACMG Guidelines, 2015. Collection method: clinical testing. Allele origin: germline. Inheritance: Autosomal recessive inheritance. Affected: yes.

Labcorp Genetics (formerly Invitae), Labcorp
Classification: Pathogenic for Primary ciliary dyskinesia. Last evaluated: 2025-08-09. Review status: criteria provided, single submitter. Criteria: Invitae Variant Classification Sherloc (09022015). Collection method: clinical testing. Allele origin: germline.
Comment: This sequence change creates a premature translational stop signal (p.Arg2795*) in the DNAH5 gene. It is expected to result in an absent or disrupted protein product. Loss-of-function variants in DNAH5 are known to be pathogenic (PMID: 11788826, 16627867). This variant is present in population databases (rs560398270, gnomAD 0.01%). This premature translational stop signal has been observed in individual(s) with clinical features of primary ciliary dyskinesia (PMID: 30067075). ClinVar contains an entry for this variant (Variation ID: 655872). For these reasons, this variant has been classified as Pathogenic.

OLLIN Analises Genomicas, OLLIN
Classification: Pathogenic for Primary ciliary dyskinesia 3. Last evaluated: 2025-02-20. Review status: criteria provided, single submitter. Criteria: ACMG Guidelines 2015 PMID 25741868. Collection method: clinical testing. Allele origin: germline. Affected: yes. Observed: 1 variant allele.
Comment: The nonsense variant (chr5:13792128G>A), located in exon 50 (of 79), is not reported in the gnomAD v4.1 non-UKB databases and was not found in the scientific literature. However, it is reported in the ClinVar database in individuals with ciliary dyskinesia (VCV000407217.21), and in compound heterozygosity in one patient (SCV005044123.1). According to currently available evidence, this variant has been classified as pathogenic (PVS1, PM2_P, PM3_S).

Natera, Inc.
Classification: Pathogenic for Primary ciliary dyskinesia. Last evaluated: 2025-02-03. Review status: criteria provided, single submitter. Criteria: Natera Variant Classification Schema (03/2026). Collection method: clinical testing. Allele origin: germline.
Comment: The c.8383C>T variant in DNAH5 is a nonsense variant predicted to introduce a stop codon at amino acid 2795. This variant is expected to result in nonsense mediated decay, truncation, or a dysfunctional protein product. This variant is rare in the general population with a frequency below the threshold expected for the associated phenotype(s). This variant has been observed in one or more individuals affected with the associated recessive disease, as either homozygous or compound heterozygous with a second variant (PMID: 34210339). Given the available evidence, this variant is classified as Pathogenic.

Ambry Genetics
Classification: Pathogenic for Primary ciliary dyskinesia. Last evaluated: 2019-01-26. Review status: criteria provided, single submitter. Criteria: Ambry Variant Classification Scheme 2023. Collection method: clinical testing. Allele origin: germline.
Comment: The p.R2795* pathogenic mutation (also known as c.8383C>T), located in coding exon 50 of the DNAH5 gene, results from a C to T substitution at nucleotide position 8383. This changes the amino acid from an arginine to a stop codon within coding exon 50. This alteration is expected to result in loss of function by premature protein truncation or nonsense-mediated mRNA decay. As such, this alteration is interpreted as a disease-causing mutation.

Yale Center for Mendelian Genomics, Yale University
Classification: Likely pathogenic for Primary ciliary dyskinesia. Last evaluated: 2018-08-01. Review status: no assertion criteria provided. Collection method: literature only. Allele origin: germline. Affected: yes. Observed: 1 homozygote. Study: Yale Center for Mendelian Genomics. Not counted in ClinVar's aggregate classification.

Literature cited by the submitters: PubMed 11788826 (cited by Labcorp Genetics (formerly Invitae), Labcorp); PubMed 16627867 (cited by Labcorp Genetics (formerly Invitae), Labcorp); PubMed 30067075 (cited by Labcorp Genetics (formerly Invitae), Labcorp and Yale Center for Mendelian Genomics, Yale University); PubMed 34210339 (cited by Natera, Inc.).

NM_001369.3(DNAH5):c.8383C>T (p.Arg2795Ter)

Gene: DNAH5 (dynein axonemal heavy chain 5; minus strand). Cytogenetic location: 5p15.2.
Variant type: single nucleotide variant.
Coding change: c.8383C>T on transcript NM_001369.3 (MANE Select); coding-DNA position 8383, C replaced by T.
Protein change: p.Arg2795Ter; replaces arginine 2795 with a stop codon.
Molecular consequence: nonsense.
Genome position (GRCh38, 1-based): chr5:13,792,059, G>A on the plus strand (C>T on the coding strand, the complement: DNAH5 is on the minus strand). VCF-style: chr5-13792059-G-A. GRCh37 (hg19) VCF-style: chr5-13792168-G-A.
Other names: short protein forms R2795*.
Identifiers: ClinVar variation 655872 (VCV000655872.21), dbSNP rs560398270, ClinGen allele CA3202835.